The following is an entry in ClinVar:

ClinVar aggregate classification (germline): Pathogenic (1 of 4 stars; one submission).

Submission:

GeneDx
Classification: Pathogenic. Last evaluated: 2015-08-28. Review status: criteria provided, single submitter. Criteria: GeneDx Variant Classification (06012015). Collection method: clinical testing. Allele origin: germline. Affected: yes.
Comment: Although the c.3713-2 A>T variant has not been reported as a pathogenic variant or as a benign polymorphism to our knowledge, this substitution destroys the canonical splice acceptor site in intron 30 and is predicted to cause abnormal gene splicing. The variant is predicted to lead to either an abnormal message that is subject to nonsense-mediated mRNA decay, or to an abnormal protein product if the message is used for protein translation. Many other splice site variants in the FBN1 gene have been reported in HGMD in association with Marfan syndrome (Stenson P et al., 2014). Furthermore, the c.3713-2 A>T variant was not observed in approximately 6,500 individuals of European and African American ancestry in the NHLBI Exome Sequencing Project, indicating it is not a common benign variant in these populations. In summary, c.3713-2 A>T in the FBN1 gene is interpreted as a pathogenic variant.

NM_000138.5(FBN1):c.3713-2A>T

Gene: FBN1 (fibrillin 1; minus strand). Cytogenetic location: 15q21.1.
Variant type: single nucleotide variant.
Coding change: c.3713-2A>T on transcript NM_000138.5 (MANE Select); the canonical splice acceptor site of the intron before coding-DNA position 3713, A replaced by T.
Molecular consequence: splice acceptor variant.
Genome position (GRCh38, 1-based): chr15:48,483,945, T>A on the plus strand (A>T on the coding strand, the complement: FBN1 is on the minus strand). VCF-style: chr15-48483945-T-A. GRCh37 (hg19) VCF-style: chr15-48776142-T-A.
Other names: c.3713-2A>T (NM_001406716.1).
Identifiers: ClinVar variation 429807 (VCV000429807.2), dbSNP rs1131691604, ClinGen allele CA392324268.